The following is an entry in ClinVar:

ClinVar aggregate classification (germline): Likely benign (1 of 4 stars; one submission).

Allele frequency attached by ClinVar (database versions not stated): gnomAD 0.00004; TOPMed 0.00004; ExAC 0.00005; gnomAD exomes 0.00005; ESP Exome Variant Server 0.00008; 1000 Genomes Project 0.00020; 1000 Genomes Project 30x 0.00031.
gnomAD v4.1: 79 of 1,585,900 alleles (0.005%); highest among the groups gnomAD compares: Middle Eastern, 0.017%; no homozygotes.

Submission:

CeGaT Center for Human Genetics Tuebingen
Classification: Likely benign. Last evaluated: 2024-07-01. Review status: criteria provided, single submitter. Criteria: CeGaT Center For Human Genetics Tuebingen Variant Classification Criteria Version 2. Collection method: clinical testing. Allele origin: germline. Affected: yes. Observed: 1 variant allele.
Comment: KDM5B: BP4, BP7

NM_006618.5(KDM5B):c.666G>A (p.Ser222=)

Gene: KDM5B (lysine demethylase 5B; minus strand). Cytogenetic location: 1q32.1.
Variant type: single nucleotide variant.
Coding change: c.666G>A on transcript NM_006618.5 (MANE Select); coding-DNA position 666, G replaced by A.
Protein change: p.Ser222=; no amino-acid change (serine 222 retained).
Molecular consequence: synonymous variant. On other transcripts: intron variant (1).
Genome position (GRCh38, 1-based): chr1:202,766,971, C>T on the plus strand (G>A on the coding strand, the complement: KDM5B is on the minus strand). VCF-style: chr1-202766971-C-T. GRCh37 (hg19) VCF-style: chr1-202736099-C-T.
Other names: c.666G>A, p.Ser222= (NM_001314042.2); c.651G>A, p.Ser217= (NM_001399817.1); c.577-2826G>A (NM_001347591.2).
Identifiers: ClinVar variation 3250770 (VCV003250770.18), dbSNP rs139912150.